The following is an entry in ClinVar:

NM_024408.4(NOTCH2):c.3895C>T (p.Arg1299Trp)

Gene: NOTCH2 (notch receptor 2; minus strand). Cytogenetic location: 1p12.
Variant type: single nucleotide variant.
Coding change: c.3895C>T on transcript NM_024408.4 (MANE Select); coding-DNA position 3895, C replaced by T.
Protein change: p.Arg1299Trp; replaces arginine 1299 with tryptophan.
Molecular consequence: missense variant.
Genome position (GRCh38, 1-based): chr1:119,926,609, G>A on the plus strand (C>T on the coding strand, the complement: NOTCH2 is on the minus strand). VCF-style: chr1-119926609-G-A. GRCh37 (hg19) VCF-style: chr1-120469232-G-A.
Other names: short protein forms R1299W.
Identifiers: ClinVar variation 1447593 (VCV001447593.7), dbSNP rs371580595, ClinGen allele CA1039947.
Genomic context (GRCh38, chr1:119,926,609, plus strand): 5'-AAGTCCCTCCATTCAGGCAGGGCATCTGGGGACACACATCGACGAAGGTTTCACAGTGCC[G>A]GCCTCAGAAAATAAAAAATAAAAAAGGTTTTAAAAGGCAGAAGTAGTCACTGCAAGTTAC-3'
Protein context (NP_077719.2, residues 1289-1309): LCVCRSAFTG[Arg1299Trp]HCETFVDVCP

ClinVar aggregate classification (germline): Uncertain significance. Review status: criteria provided, multiple submitters, no conflicts (2 of 4 stars). 2 submissions from 2 submitters: Uncertain significance (2). Last evaluated 2025-04-19.

Conditions:
Hajdu-Cheney syndrome (HJCYS). Also called: ACROOSTEOLYSIS WITH OSTEOPOROSIS AND CHANGES IN SKULL AND MANDIBLE; SERPENTINE FIBULA-POLYCYSTIC KIDNEY SYNDROME; Acroosteolysis dominant type. Identifiers: Orphanet 955, MedGen C0917715, MONDO:0007057, OMIM 102500.

Allele frequency attached by ClinVar (database versions not stated): ExAC 0.00001; gnomAD 0.00001; gnomAD exomes 0.00002 and 0.00006; TOPMed 0.00002; ESP Exome Variant Server 0.00008.
gnomAD v4.1: 81 of 1,600,812 alleles (0.0051%); highest among the groups gnomAD compares: Non-Finnish European, 0.0068%; no homozygotes.

Submissions (2):

Labcorp Genetics (formerly Invitae), Labcorp
Classification: Uncertain significance for Hajdu-Cheney syndrome. Last evaluated: 2025-04-19. Review status: criteria provided, single submitter. Criteria: Invitae Variant Classification Sherloc (09022015). Collection method: clinical testing. Allele origin: germline.
Comment: This sequence change replaces arginine, which is basic and polar, with tryptophan, which is neutral and slightly polar, at codon 1299 of the NOTCH2 protein (p.Arg1299Trp). This variant is present in population databases (rs371580595, gnomAD 0.003%). This variant has not been reported in the literature in individuals affected with NOTCH2-related conditions. ClinVar contains an entry for this variant (Variation ID: 1447593). An algorithm developed to predict the effect of missense changes on protein structure and function (PolyPhen-2) suggests that this variant is likely to be disruptive. In summary, the available evidence is currently insufficient to determine the role of this variant in disease. Therefore, it has been classified as a Variant of Uncertain Significance.

Breakthrough Genomics
Classification: Uncertain significance. Review status: criteria provided, single submitter. Criteria: ACMG Guidelines, 2015. Collection method: not provided. Allele origin: germline. Inheritance: Autosomal dominant inheritance. Affected: yes.